The following is an entry in ClinVar:

NM_001123385.2(BCOR):c.4729_4730del (p.Lys1577fs)

Gene: BCOR (BCL6 corepressor; minus strand). Cytogenetic location: Xp11.4.
Variant type: Deletion.
Coding change: c.4729_4730del on transcript NM_001123385.2 (MANE Select); coding-DNA positions 4729 to 4730, 2 bases deleted (AA; older notation c.4729_4730delAA).
Protein change: p.Lys1577fs; shifts the reading frame from lysine 1577.
Molecular consequence: frameshift variant.
Genome position (GRCh38, 1-based): chrX:40,055,379-40,055,380, TT deleted on the plus strand (AA on the coding strand, the reverse complement: BCOR is on the minus strand); deleting any 2 consecutive bases within chrX:40,055,379-40,055,382 gives the same sequence; the c. name uses the placement nearest the transcript's 3' end. VCF-style (leftmost placement, unchanged base first): chrX-40055378-CTT-C. GRCh37 (hg19) VCF-style: chrX-39914631-CTT-C.
Other names: c.4627_4628del, p.Lys1543fs (NM_001123383.2, NM_001438208.1, NM_017745.6); c.4573_4574del, p.Lys1525fs (NM_001123384.2); c.4729_4730del, p.Lys1577fs (NM_001437510.1, NM_001437511.1); c.4675_4676del, p.Lys1559fs (NM_001438207.1); short protein forms K1525fs, K1543fs, K1559fs, K1577fs.
Identifiers: ClinVar variation 4530162 (VCV004530162.1).
Genomic context (GRCh38, chrX:40,055,378, plus strand): 5'-GAGTTATCATCTAATTTTTGAATAAGACCATTTCTTGAACTTTGTCATACCTGTTAAGAA[CTT>C]TTCCATAAGTTCACTGTGGGTCATTTTCATGATGGTTCTACCTGAGTACGTAGCCAAGGT-3'

ClinVar aggregate classification (somatic clinical impact): Tier II - Potential (1 of 4 stars; one submission).

Conditions:
Diffuse glioma, H3 G34 mutant. Identifiers: MedGen CN377580, MONDO:0957197.

Submission:

Institute for Genomic Medicine (IGM) Clinical Laboratory, Nationwide Children's Hospital
Classification: Tier II - Potential for Diffuse glioma, H3 G34 mutant. Assertion type: diagnostic. Clinical significance: supports diagnosis. Last evaluated: 2025-10-31. Review status: criteria provided, single submitter. Criteria: AMP/ASCO/CAP Guidelines, 2017. Collection method: clinical testing. Allele origin: somatic. Affected: yes.
Comment: Variant has Tier II (potential) clinical significance as a diagnostic inclusion criterion in diffuse glioma, H3 G34 mutant, based on the following evidence: 1) Documented in one or more cancer databases (e.g., St. Jude Pecan, COSMIC, CIViC, OncoKB). 2) Diagnostic significance based on multiple small studies (Evidence Level C; PMIDs: 24705251, 28912153, 28966033, 29763623).

Literature cited by the submitters: PubMed 24705251; PubMed 28912153; PubMed 28966033; PubMed 29763623.